The following is an entry in ClinVar:

ClinVar aggregate classification (germline): Uncertain significance. Review status: criteria provided, multiple submitters, no conflicts (2 of 4 stars). 5 submissions from 5 submitters: Uncertain significance (5). Last evaluated 2024-09-03.

Conditions:
Spastic paraplegia. Identifiers: MedGen C0037772, HP:0001258.
Hereditary spastic paraplegia. Also called: Familial spastic paraparesis. Identifiers: Orphanet 685, MedGen C0037773, MONDO:0019064. Disease mechanism: loss of function.

Allele frequency attached by ClinVar (database versions not stated): ESP Exome Variant Server 0.00038; 1000 Genomes Project 0.00040; gnomAD exomes 0.00047 and 0.00084; ExAC 0.00048; gnomAD 0.00051 and 0.00052; 1000 Genomes Project 30x 0.00062; TOPMed 0.00064.
gnomAD v4.1: 1,307 of 1,613,964 alleles (0.081%); highest among the groups gnomAD compares: Non-Finnish European, 0.1%; no homozygotes.

Submissions (5):

Blueprint Genetics
Classification: Uncertain significance. Last evaluated: 2024-09-03. Review status: criteria provided, single submitter. Criteria: ACMG Guidelines, 2015. Collection method: clinical testing. Allele origin: germline.

Mayo Clinic Laboratories, Mayo Clinic
Classification: Uncertain significance. Last evaluated: 2024-02-14. Review status: criteria provided, single submitter. Criteria: ACMG Guidelines, 2015. Collection method: clinical testing. Allele origin: germline. Observed: 3 variant alleles.

Labcorp Genetics (formerly Invitae), Labcorp
Classification: Uncertain significance for Spastic paraplegia. Last evaluated: 2022-10-17. Review status: criteria provided, single submitter. Criteria: Invitae Variant Classification Sherloc (09022015). Collection method: clinical testing. Allele origin: germline.
Comment: This sequence change replaces serine, which is neutral and polar, with arginine, which is basic and polar, at codon 740 of the GBA2 protein (p.Ser740Arg). This variant is present in population databases (rs200894732, gnomAD 0.08%), and has an allele count higher than expected for a pathogenic variant. This variant has not been reported in the literature in individuals affected with GBA2-related conditions. ClinVar contains an entry for this variant (Variation ID: 458302). Advanced modeling of protein sequence and biophysical properties (such as structural, functional, and spatial information, amino acid conservation, physicochemical variation, residue mobility, and thermodynamic stability) performed at Invitae indicates that this missense variant is not expected to disrupt GBA2 protein function. In summary, the available evidence is currently insufficient to determine the role of this variant in disease. Therefore, it has been classified as a Variant of Uncertain Significance.

GeneDx
Classification: Uncertain significance. Last evaluated: 2019-05-03. Review status: criteria provided, single submitter. Criteria: GeneDx Variant Classification Process June 2021. Collection method: clinical testing. Allele origin: germline. Affected: yes.
Comment: In silico analysis, which includes protein predictors and evolutionary conservation, supports a deleterious effect; Has not been previously published as pathogenic or benign to our knowledge

Genome Diagnostics Laboratory, The Hospital for Sick Children
Classification: Uncertain significance for Hereditary spastic paraplegia. Last evaluated: 2017-12-01. Review status: criteria provided, single submitter. Criteria: ACMG Guidelines, 2015. Collection method: clinical testing. Allele origin: germline. Affected: yes.

NM_020944.3(GBA2):c.2220C>A (p.Ser740Arg)

Gene: GBA2 (glucosylceramidase beta 2; minus strand). Cytogenetic location: 9p13.3.
Variant type: single nucleotide variant.
Coding change: c.2220C>A on transcript NM_020944.3 (MANE Select); coding-DNA position 2220, C replaced by A.
Protein change: p.Ser740Arg; replaces serine 740 with arginine.
Molecular consequence: missense variant.
Genome position (GRCh38, 1-based): chr9:35,738,130, G>T on the plus strand (C>A on the coding strand, the complement: GBA2 is on the minus strand). VCF-style: chr9-35738130-G-T. GRCh37 (hg19) VCF-style: chr9-35738127-G-T.
Other names: p.Ser740Arg; c.2220C>A, p.Ser740Arg (NM_001330660.2); short protein forms S740R.
Identifiers: ClinVar variation 458302 (VCV000458302.17), dbSNP rs200894732, ClinGen allele CA5050159.